The following is an entry in ClinVar:

NM_001009999.3(KDM1A):c.2366C>A (p.Ala789Asp)

Gene: KDM1A (lysine demethylase 1A; plus strand). Cytogenetic location: 1p36.12.
Variant type: single nucleotide variant.
Coding change: c.2366C>A on transcript NM_001009999.3 (MANE Select); coding-DNA position 2366, C replaced by A.
Protein change: p.Ala789Asp; replaces alanine 789 with aspartic acid.
Molecular consequence: missense variant.
Genome position (GRCh38, 1-based): chr1:23,082,287, C>A. VCF-style: chr1-23082287-C-A. GRCh37 (hg19) VCF-style: chr1-23408780-C-A.
Other names: c.2312C>A, p.Ala771Asp (NM_001363654.2); c.2372C>A, p.Ala791Asp (NM_001410762.1); c.2294C>A, p.Ala765Asp (NM_001410763.1, NM_015013.4); short protein forms A765D, A771D, A789D, A791D.
Identifiers: ClinVar variation 4083315 (VCV004083315.1).

ClinVar aggregate classification (germline): Uncertain significance (1 of 4 stars; one submission).

Submission:

GeneDx
Classification: Uncertain significance. Last evaluated: 2025-03-13. Review status: criteria provided, single submitter. Criteria: GeneDx Variant Classification Process June 2021. Collection method: clinical testing. Allele origin: germline. Affected: yes.
Comment: Not observed at significant frequency in large population cohorts (gnomAD); In silico analysis supports that this missense variant has a deleterious effect on protein structure/function; Has not been previously published as pathogenic or benign to our knowledge